The following is an entry in ClinVar:

NM_001103.4(ACTN2):c.2571T>A (p.Asp857Glu)

Gene: ACTN2 (actinin alpha 2; plus strand). Cytogenetic location: 1q43.
Variant type: single nucleotide variant.
Coding change: c.2571T>A on transcript NM_001103.4 (MANE Select); coding-DNA position 2571, T replaced by A.
Protein change: p.Asp857Glu; replaces aspartic acid 857 with glutamic acid.
Molecular consequence: missense variant. On other transcripts: non-coding transcript variant (1).
Genome position (GRCh38, 1-based): chr1:236,762,505, T>A. VCF-style: chr1-236762505-T-A. GRCh37 (hg19) VCF-style: chr1-236925805-T-A.
Other names: c.2571T>A, p.Asp857Glu (NM_001278343.2); short protein forms D857E.
Identifiers: ClinVar variation 3342711 (VCV003342711.1).

ClinVar aggregate classification (germline): Uncertain significance (1 of 4 stars; one submission).

Submission:

GeneDx
Classification: Uncertain significance. Last evaluated: 2023-05-15. Review status: criteria provided, single submitter. Criteria: GeneDx Variant Classification Process June 2021. Collection method: clinical testing. Allele origin: germline. Affected: yes.
Comment: Has not been previously published as pathogenic or benign to our knowledge; Not observed at significant frequency in large population cohorts (gnomAD); In silico analysis supports that this missense variant does not alter protein structure/function